The following is an entry in ClinVar:

NM_005051.3(QARS1):c.2122C>G (p.Pro708Ala)

Gene: QARS1 (glutaminyl-tRNA synthetase 1; minus strand). Cytogenetic location: 3p21.31.
Variant type: single nucleotide variant.
Coding change: c.2122C>G on transcript NM_005051.3 (MANE Select); coding-DNA position 2122, C replaced by G.
Protein change: p.Pro708Ala; replaces proline 708 with alanine.
Molecular consequence: missense variant. On other transcripts: non-coding transcript variant (1).
Genome position (GRCh38, 1-based): chr3:49,098,221, G>C on the plus strand (C>G on the coding strand, the complement: QARS1 is on the minus strand). VCF-style: chr3-49098221-G-C. GRCh37 (hg19) VCF-style: chr3-49135654-G-C.
Other names: c.2089C>G, p.Pro697Ala (NM_001272073.2); short protein forms P697A, P708A.
Identifiers: ClinVar variation 1407421 (VCV001407421.7), dbSNP rs778699748, ClinGen allele CA2391514.

ClinVar aggregate classification (germline): Uncertain significance (1 of 4 stars; one submission).

Conditions:
Diffuse cerebral and cerebellar atrophy - intractable seizures - progressive microcephaly syndrome. Also called: Microcephaly, progressive, with seizures and cerebral and cerebellar atrophy. Identifiers: Orphanet 404437, MedGen C4014239, MONDO:0014335, OMIM 615760.

Submission:

Labcorp Genetics (formerly Invitae), Labcorp
Classification: Uncertain significance for Diffuse cerebral and cerebellar atrophy - intractable seizures - progressive microcephaly syndrome. Last evaluated: 2021-02-04. Review status: criteria provided, single submitter. Criteria: Invitae Variant Classification Sherloc (09022015). Collection method: clinical testing. Allele origin: germline.
Comment: Algorithms developed to predict the effect of missense changes on protein structure and function are either unavailable or do not agree on the potential impact of this missense change (SIFT: "Deleterious"; PolyPhen-2: "Probably Damaging"; Align-GVGD: "Class C0"). This variant is present in population databases (rs778699748, ExAC 0.006%). This variant has not been reported in the literature in individuals with QARS-related conditions. In summary, the available evidence is currently insufficient to determine the role of this variant in disease. Therefore, it has been classified as a Variant of Uncertain Significance. This sequence change replaces proline with alanine at codon 708 of the QARS protein (p.Pro708Ala). The proline residue is highly conserved and there is a small physicochemical difference between proline and alanine.